The following is an entry in ClinVar:

NM_199355.4(ADAMTS18):c.2765A>C (p.Glu922Ala)

Gene: ADAMTS18 (ADAM metallopeptidase with thrombospondin type 1 motif 18; minus strand). Cytogenetic location: 16q23.1.
Variant type: single nucleotide variant.
Coding change: c.2765A>C on transcript NM_199355.4 (MANE Select); coding-DNA position 2765, A replaced by C.
Protein change: p.Glu922Ala; replaces glutamic acid 922 with alanine.
Molecular consequence: missense variant.
Genome position (GRCh38, 1-based): chr16:77,297,325, T>G on the plus strand (A>C on the coding strand, the complement: ADAMTS18 is on the minus strand). VCF-style: chr16-77297325-T-G. GRCh37 (hg19) VCF-style: chr16-77331222-T-G.
Other names: c.2249A>C, p.Glu750Ala (NM_001326358.2); short protein forms E750A, E922A.
Identifiers: ClinVar variation 2088682 (VCV002088682.4), dbSNP rs2543591631, ClinGen allele CA396834150.

ClinVar aggregate classification (germline): Uncertain significance (1 of 4 stars; one submission).

Submission:

Labcorp Genetics (formerly Invitae), Labcorp
Classification: Uncertain significance. Last evaluated: 2022-07-05. Review status: criteria provided, single submitter. Criteria: Invitae Variant Classification Sherloc (09022015). Collection method: clinical testing. Allele origin: germline.
Comment: In summary, the available evidence is currently insufficient to determine the role of this variant in disease. Therefore, it has been classified as a Variant of Uncertain Significance. Algorithms developed to predict the effect of missense changes on protein structure and function are either unavailable or do not agree on the potential impact of this missense change (SIFT: "Not Available"; PolyPhen-2: "Benign"; Align-GVGD: "Not Available"). This variant has not been reported in the literature in individuals affected with ADAMTS18-related conditions. This variant is not present in population databases (gnomAD no frequency). This sequence change replaces glutamic acid, which is acidic and polar, with alanine, which is neutral and non-polar, at codon 922 of the ADAMTS18 protein (p.Glu922Ala).